The following is an entry in ClinVar:

NM_201599.3(ZMYM3):c.1470+6G>C

Gene: ZMYM3 (zinc finger MYM-type containing 3; minus strand). Cytogenetic location: Xq13.1.
Variant type: single nucleotide variant.
Coding change: c.1470+6G>C on transcript NM_201599.3 (MANE Select); 6 bases into the intron after coding-DNA position 1470, G replaced by C.
Molecular consequence: intron variant. On other transcripts: synonymous variant (1).
Genome position (GRCh38, 1-based): chrX:71,249,455, C>G on the plus strand (G>C on the coding strand, the complement: ZMYM3 is on the minus strand). VCF-style: chrX-71249455-C-G. GRCh37 (hg19) VCF-style: chrX-70469305-C-G.
Other names: c.1476G>C, p.Gly492= (NM_001171163.1); c.1470+6G>C (NM_001171162.1, NM_005096.3).
Identifiers: ClinVar variation 560284 (VCV000560284.3), dbSNP rs1569225762, ClinGen allele CA658824638.
Genomic context (GRCh38, chrX:71,249,455, plus strand): 5'-TTATTTATAACCCAAGAACCACACCCCCTTCCACAGCCCTCTAATGCACTACTCCCTCGG[C>G]CCCACCTTCTTGTACGCCCCCAAGCAGGTTGTGTTGCAGAACCGCTTTTGTTGGCCCTCG-3'

ClinVar aggregate classification (germline): Uncertain significance (1 of 4 stars; one submission).

Submission:

Geisinger Autism and Developmental Medicine Institute, Geisinger Health System
Classification: Uncertain significance. Last evaluated: 2017-05-24. Review status: criteria provided, single submitter. Criteria: ACMG Guidelines, 2015. Collection method: provider interpretation, clinical testing. Allele origin: unknown. Observed: 1 variant allele.
Comment: At the time of the lab report, no known human disorders had been clearly associated with this gene. A single maternally inherited missense variant in the ZMYM3 gene has been identified in 3 male siblings presenting with moderate intellectual disability, unique facial features, aortic stenosis, and hypospadias (Philips et al, 2014). The variant is absent from population databases.

Literature cited by the submitters: PubMed 24721225.